The following is an entry in ClinVar:

ClinVar aggregate classification (germline): Pathogenic/Likely pathogenic. Review status: criteria provided, multiple submitters, no conflicts (2 of 4 stars). 7 submissions from 7 submitters: Pathogenic (4); Likely pathogenic (2). 1 of the submissions does not count toward it. Last evaluated 2025-08-29.

Conditions:
CBL-related disorder. Also called: NOONAN SYNDROME-LIKE DISORDER WITHOUT JUVENILE MYELOMONOCYTIC LEUKEMIA; CBL MUTATION-ASSOCIATED SYNDROME; CBL SYNDROME. Identifiers: Orphanet 363972, MedGen C3150803, MONDO:0013308, OMIM 613563.
RASopathy. Also called: rasopathies; Noonan spectrum disorder. Identifiers: Orphanet 536391, MedGen C5555857, MONDO:0021060.
Noonan syndrome (NS). Also called: Noonan's syndrome. Identifiers: Orphanet 648, MedGen C0028326, MeSH D009634, MONDO:0018997. Disease mechanism: gain of function.

Submissions (7):

Dasa
Classification: Pathogenic. Last evaluated: 2025-08-29. Review status: criteria provided, single submitter. Criteria: DASA Assertion Criteria. Collection method: clinical testing. Allele origin: germline.
Comment: NM_005188.4(CBL):c.1096-4_1096-1del is a splice-region variant predicted to affect normal RNA splicing. This variant affects a splice-region context with prior evidence supporting clinical relevance. The affected residue or protein region has prior evidence supporting clinical relevance. This variant has been reported in individuals with CBL-related disorders (PMID: 25952305). Also, this variant is absent from population databases. Based on the currently available evidence, this variant is classified as pathogenic.

Daryl Scott Lab, Baylor College of Medicine
Classification: Pathogenic for CBL-related disorder. Last evaluated: 2024-01-01. Review status: criteria provided, single submitter. Criteria: ACMG Guidelines, 2015. Collection method: clinical testing. Allele origin: de novo. Affected: yes. Observed: 1 heterozygote.
Comment: PS2, PS3, PM2, PP3, PP4

Labcorp Genetics (formerly Invitae), Labcorp
Classification: Pathogenic for RASopathy. Last evaluated: 2022-10-04. Review status: criteria provided, single submitter. Criteria: Invitae Variant Classification Sherloc (09022015). Collection method: clinical testing. Allele origin: germline.
Comment: This sequence change affects a splice site in intron 7 of the CBL gene. RNA analysis indicates that disruption of this splice site induces altered splicing and likely results in a shortened protein product. This variant is not present in population databases (gnomAD no frequency). Disruption of this splice site has been observed in individuals with CBL-related conditions (PMID: 25358541, 25952305, 28589114; Invitae). ClinVar contains an entry for this variant (Variation ID: 45197). Studies have shown that disruption of this splice site results in skipping of exon 8 or part of exon 8, but is expected to preserve the integrity of the reading-frame (PMID: 25952305). For these reasons, this variant has been classified as Pathogenic.

HudsonAlpha Institute for Biotechnology
Classification: Likely pathogenic for CBL-related disorder. Last evaluated: 2017-04-13. Review status: criteria provided, single submitter. Criteria: HA_assertions_20161101. Collection method: research. Allele origin: de novo. Affected: yes. Observed: 1 variant allele. Study: CSER-HudsonAlpha.

GeneDx
Classification: Pathogenic for Rasopathy. Last evaluated: 2014-04-14. Review status: criteria provided, single submitter. Criteria: GeneDx Variant Classification (06012015). Collection method: clinical testing. Allele origin: germline. Affected: yes.
Comment: This mutation is denoted c.1096-4_1096-1delAAAG (IVS7-4_IVS7-1delAAAG) at the cDNA level. Using lower case letters to denote intronic sequence and capital letters to denote exonic sequence, the normal sequence with the bases that are deleted in braces is: aatc{aaag}GAAC. The c.1096-4_1096_1delAAAG mutation in intron 7 in the CBL gene (NM_005188.2) has not been reported previously as a disease-causing mutation nor as a benign polymorphism, to our knowledge. The c.1096-4_1096-1delAAAG mutation was not observed in approximately 6500 individuals of European and African American ancestry in the NHLBI Exome Sequencing Project, indicating it is not a common benign variant in these populations. The c.1096-4_1096-1delAAAG mutation in the CBL gene destroys the splice acceptor site of exon 8, which is an in-frame exon encoding portions of the Zn-finger ring and linker region. The c.1096-4_1096-1delAAAG mutation is predicted to cause abnormal gene splicing, either leading to an abnormal message that is subject to nonsense-mediated mRNA decay, or to an abnormal protein product if the message is used for protein translation. Another splice site mutation that destroys this acceptor site (c.1096-1 G>C) has been reported in a homozygous state in a patient with juvenile myelomonocytic leukemia (JMML), caf au lait spots, cryptorchidism, juvenile xanthogranuloma, poor growth, and developmental delay (Niemeyer et al., 2010). We interpret c.1096-4_1096-1delAAAG as a disease-causing mutation. The presence of this mutation is consistent with the diagnosis of Noonan syndrome-like disorder. The variant is found in NOONAN panel(s).

Juno Genomics, Hangzhou Juno Genomics, Inc
Classification: Likely pathogenic for CBL-related disorder. Review status: criteria provided, single submitter. Criteria: ACMG Guidelines, 2015. Collection method: clinical testing. Allele origin: germline. Affected: yes.
Comment: Absent from controls (or at extremely low frequency if recessive) in Genome Aggregation Database, Exome Sequencing Project, 1000 Genomes Project, or Exome Aggregation Consortium.;De novo (both maternity and paternity confirmed) in a patient with the disease and no family history.;The prevalence of the variant in affected individuals is significantly increased compared to the prevalence in controls.;Patient's phenotype or family history is highly specific for a disease with a single genetic etiology.;Well-established in vitro or in vivo functional studies supportive of a damaging effect on the gene or gene product.

Laboratory for Molecular Medicine, Mass General Brigham Personalized Medicine
Classification: Likely pathogenic for Noonan syndrome. Last evaluated: 2012-11-08. Review status: no assertion criteria provided. Collection method: clinical testing. Allele origin: germline. Observed: 1 variant allele. Not counted in ClinVar's aggregate classification.
Comment: The 1096-4_1096-1del variant in CBL has not been reported in the literature nor previously identified by our laboratory. This deletion removes 4 base pairs incl uding the invariant region (-1/2) of the splice consensus sequence and is predic ted to cause a likely impact on splicing. Importantly, another variant (1096-1G> C) affecting the same splice site has been identified in a patient with clinical features of Noonan syndrome and juvenile myelomonocytic leukemia (Niemeyer 2010 ). Loss of this splice site has been shown to cause skipping of exon 8 or retent ion of intron 7, resulting in proteins that lack essential regions of the linker and ring finger domains (Niemeyer 2010). Loss of CBL function results in Ras hy peractivation, which is associated with Noonan syndrome-like disorder with or wi thout JMML. In summary, the 1096-4-1096-1del variant in CBL is likely to be path ogenic, though additional studies are required to fully establish its pathogenic ity.

Literature cited by the submitters: PubMed 25952305 (cited by Dasa and Labcorp Genetics (formerly Invitae), Labcorp); PubMed 25358541 (cited by Dasa and Labcorp Genetics (formerly Invitae), Labcorp); PubMed 28589114 (cited by Labcorp Genetics (formerly Invitae), Labcorp); PubMed 20694012 (cited by Laboratory for Molecular Medicine, Mass General Brigham Personalized Medicine).

NM_005188.4(CBL):c.1096-4_1096-1del

Gene: CBL (Cbl proto-oncogene; plus strand). Cytogenetic location: 11q23.3.
Variant type: Deletion.
Coding change: c.1096-4_1096-1del on transcript NM_005188.4 (MANE Select); 4 bases into the intron before coding-DNA position 1096 through the canonical splice acceptor site of the intron before coding-DNA position 1096, 4 bases deleted (AAAG; older notation c.1096-4_1096-1delAAAG).
Molecular consequence: splice acceptor variant.
Genome position (GRCh38, 1-based): chr11:119,278,162-119,278,165, AAAG deleted. VCF-style (leftmost placement, unchanged base first): chr11-119278161-CAAAG-C. GRCh37 (hg19) VCF-style: chr11-119148871-CAAAG-C.
Other names: c.1096-4_1096-1delAAAG (NM_005188.3).
Identifiers: ClinVar variation 45197 (VCV000045197.14), dbSNP rs397517077, ClinGen allele CA135697.